The following is an entry in ClinVar:

ClinVar aggregate classification (germline): Uncertain significance. Review status: criteria provided, multiple submitters, no conflicts (2 of 4 stars). 2 submissions from 2 submitters: Uncertain significance (2). Last evaluated 2025-10-27.

Conditions:
Hereditary cancer-predisposing syndrome. Also called: Neoplastic Syndromes, Hereditary; Hereditary Cancer Syndrome; Hereditary neoplastic syndrome; Tumor predisposition. Identifiers: Orphanet 140162, MedGen C0027672, MeSH D009386, MONDO:0015356.
Gorlin syndrome. Also called: Nevoid Basal Cell Carcinoma Syndrome; Basal cell nevus syndrome. Identifiers: Orphanet 377, MedGen C0004779, MONDO:0007187.
Medulloblastoma (MDB). Also called: MEDULLOBLASTOMA PREDISPOSITION SYNDROME; Medulloblastoma, somatic. Identifiers: Orphanet 616, MedGen C0025149, MeSH D008527, MONDO:0007959, OMIM 155255, HP:0002885.

Allele frequency attached by ClinVar (database versions not stated): gnomAD exomes below 0.00001.
gnomAD v4.1: 4 of 1,614,176 alleles (0.00025%); highest among the groups gnomAD compares: Non-Finnish European, 0.00034%; no homozygotes.

Submissions (2):

Labcorp Genetics (formerly Invitae), Labcorp
Classification: Uncertain significance for Gorlin syndrome; Medulloblastoma. Last evaluated: 2025-10-27. Review status: criteria provided, single submitter. Criteria: Invitae Variant Classification Sherloc (09022015). Collection method: clinical testing. Allele origin: germline.
Comment: This sequence change replaces arginine, which is basic and polar, with isoleucine, which is neutral and non-polar, at codon 173 of the SUFU protein (p.Arg173Ile). The frequency data for this variant in the population databases is considered unreliable, as metrics indicate poor data quality at this position in the gnomAD database. This variant has not been reported in the literature in individuals affected with SUFU-related conditions. ClinVar contains an entry for this variant (Variation ID: 825524). Invitae Evidence Modeling of protein sequence and biophysical properties (such as structural, functional, and spatial information, amino acid conservation, physicochemical variation, residue mobility, and thermodynamic stability) indicates that this missense variant is not expected to disrupt SUFU protein function with a negative predictive value of 80%. In summary, the available evidence is currently insufficient to determine the role of this variant in disease. Therefore, it has been classified as a Variant of Uncertain Significance.

Ambry Genetics
Classification: Uncertain significance for Hereditary cancer-predisposing syndrome. Last evaluated: 2024-12-08. Review status: criteria provided, single submitter. Criteria: Ambry Variant Classification Scheme 2023. Collection method: clinical testing. Allele origin: germline.
Comment: The p.R173I variant (also known as c.518G>T), located in coding exon 4 of the SUFU gene, results from a G to T substitution at nucleotide position 518. The arginine at codon 173 is replaced by isoleucine, an amino acid with similar properties. This amino acid position is highly conserved in available vertebrate species. In addition, this alteration is predicted to be deleterious by in silico analysis. Since supporting evidence is limited at this time, the clinical significance of this alteration remains unclear.

NM_016169.4(SUFU):c.518G>T (p.Arg173Ile)

Gene: SUFU (SUFU negative regulator of hedgehog signaling; plus strand). Cytogenetic location: 10q24.32.
Variant type: single nucleotide variant.
Coding change: c.518G>T on transcript NM_016169.4 (MANE Select); coding-DNA position 518, G replaced by T.
Protein change: p.Arg173Ile; replaces arginine 173 with isoleucine.
Molecular consequence: missense variant.
Genome position (GRCh38, 1-based): chr10:102,592,645, G>T. VCF-style: chr10-102592645-G-T. GRCh37 (hg19) VCF-style: chr10-104352402-G-T.
Other names: c.518G>T, p.Arg173Ile (NM_001178133.2); short protein forms R173I.
Identifiers: ClinVar variation 825524 (VCV000825524.15), dbSNP rs587778697, ClinGen allele CA377908331.